The following is an entry in ClinVar:

NM_002439.5(MSH3):c.1630A>G (p.Asn544Asp)

Gene: MSH3 (mutS homolog 3; plus strand). Cytogenetic location: 5q14.1.
Variant type: single nucleotide variant.
Coding change: c.1630A>G on transcript NM_002439.5 (MANE Select); coding-DNA position 1630, A replaced by G.
Protein change: p.Asn544Asp; replaces asparagine 544 with aspartic acid.
Molecular consequence: missense variant.
Genome position (GRCh38, 1-based): chr5:80,741,525, A>G. VCF-style: chr5-80741525-A-G. GRCh37 (hg19) VCF-style: chr5-80037344-A-G.
Other names: short protein forms N544D.
Identifiers: ClinVar variation 1993498 (VCV001993498.4), dbSNP rs2546760473, ClinGen allele CA360274550.
Genomic context (GRCh38, chr5:80,741,525, plus strand): 5'-AATTTTAAACAGCTATCAAGTAAAATGGAATTTATGACAATTAATGGAACAACATTAAGG[A>G]ATCTGGAAATCCTACAGAATCAGGTCAGGCAAATACAAGGGCTAGTTGATTATAAATCGT-3'
Protein context (NP_002430.3, residues 534-554): FMTINGTTLR[Asn544Asp]LEILQNQTDM

ClinVar aggregate classification (germline): Uncertain significance (1 of 4 stars; one submission).

Submission:

Labcorp Genetics (formerly Invitae), Labcorp
Classification: Uncertain significance. Last evaluated: 2022-06-23. Review status: criteria provided, single submitter. Criteria: Invitae Variant Classification Sherloc (09022015). Collection method: clinical testing. Allele origin: germline.
Comment: In summary, the available evidence is currently insufficient to determine the role of this variant in disease. Therefore, it has been classified as a Variant of Uncertain Significance. Algorithms developed to predict the effect of missense changes on protein structure and function are either unavailable or do not agree on the potential impact of this missense change (SIFT: "Tolerated"; PolyPhen-2: "Probably Damaging"; Align-GVGD: "Class C0"). This variant has not been reported in the literature in individuals affected with MSH3-related conditions. This variant is not present in population databases (gnomAD no frequency). This sequence change replaces asparagine, which is neutral and polar, with aspartic acid, which is acidic and polar, at codon 544 of the MSH3 protein (p.Asn544Asp).